The following is an entry in ClinVar:

NM_005857.5(ZMPSTE24):c.1356C>G (p.Phe452Leu)

Gene: ZMPSTE24 (zinc metallopeptidase STE24; plus strand). Cytogenetic location: 1p34.2.
Variant type: single nucleotide variant.
Coding change: c.1356C>G on transcript NM_005857.5 (MANE Select); coding-DNA position 1356, C replaced by G.
Protein change: p.Phe452Leu; replaces phenylalanine 452 with leucine.
Molecular consequence: missense variant.
Genome position (GRCh38, 1-based): chr1:40,292,597, C>G. VCF-style: chr1-40292597-C-G. GRCh37 (hg19) VCF-style: chr1-40758269-C-G.
Other names: c.1356C>G (LRG_212t1); short protein forms F452L.
Identifiers: ClinVar variation 140519 (VCV000140519.1), dbSNP rs281875377, ClinGen allele CA232735.

ClinVar aggregate classification (germline): not provided (0 of 4 stars; one submission).

Submission:

ZMPSTE24 homepage - Leiden Muscular Dystrophy pages
No classification provided. Review status: no classification provided. Collection method: not provided. Allele origin: germline.
Comment: no known functional consequence